The following is an entry in ClinVar:

ClinVar aggregate classification (germline): Pathogenic. Review status: criteria provided, single submitter (1 of 4 stars). 2 submissions from 2 submitters: Pathogenic (1). 1 of the submissions does not count toward it. Last evaluated 2019-12-23.

Conditions:
Cystic fibrosis (CF). Also called: MUCOVISCIDOSIS. Identifiers: Orphanet 586, MedGen C0010674, MONDO:0009061, OMIM 219700. Disease mechanism: loss of function.

Submissions (2):

Women's Health and Genetics/Laboratory Corporation of America, LabCorp
Classification: Pathogenic for Cystic fibrosis. Last evaluated: 2019-12-23. Review status: criteria provided, single submitter. Criteria: LabCorp Variant Classification Summary - May 2015. Collection method: clinical testing. Allele origin: germline.
Comment: Variant summary: This CFTR c.3281_3367+268delinsTGTTAA variant leads to a partial deletion of exon 20 as well as the overlapping the splice-donor site. This would either lead to a deletion of 28 amino acids from exon 20 and subsequently would be predicted to impact protein function or disrupt normal splicing. The frequency of this variant in the general population could not be determined as the technology used for large population databases (ExAC, gnomAD, ESP, 1000G) cannot detect variants of this type. To our knowledge, no experimental evidence demonstrating an impact on protein function has been reported. Furthermore, another deletion variant which involves complete deletion of exon 20 has also been reported in a CF patient (PMID: 8682493). No other clinical diagnostic laboratories have submitted clinical-significance assessments for this variant to ClinVar. Based on the evidence outlined above, the variant was classified as pathogenic.

ClinVar Staff, National Center for Biotechnology Information (NCBI)
No classification provided. Condition: CFTR-related disorders. Review status: no classification provided. Collection method: literature only. Allele origin: germline. Affected: yes. Not counted in ClinVar's aggregate classification.

Literature cited by the submitters: PubMed 15520400 (cited by Women's Health and Genetics/Laboratory Corporation of America, LabCorp and ClinVar Staff, National Center for Biotechnology Information (NCBI)); PubMed 16493442 (cited by Women's Health and Genetics/Laboratory Corporation of America, LabCorp).

NM_000492.4(CFTR):c.3281_3367+268delinsTGTTAA

Genes: CFTR (CF transmembrane conductance regulator; plus strand), CFTR-AS2 (CFTR antisense RNA 2; minus strand), LOC111674472 (DNase I hypersensitive sites in introns 16 and 17a of CFTR; plus strand). Cytogenetic location: 7q31.2.
Variant type: Indel.
Coding change: c.3281_3367+268delinsTGTTAA on transcript NM_000492.4 (MANE Select); coding-DNA position 3281 through 268 bases into the intron after coding-DNA position 3367, the reference bases replaced by TGTTAA.
Molecular consequence: splice donor variant.
Genome position (GRCh38, 1-based): chr7:117,611,722-117,612,076, 355 bases replaced. GRCh37 (hg19): chr7:117,251,776-117,252,130.
Other names: c.3281_3367+268del355insTGTTAA (NM_000492.3).
Identifiers: ClinVar variation 53703 (VCV000053703.2), dbSNP rs1554392248, ClinGen allele CA327125.